The following is an entry in ClinVar:

NM_001365536.1(SCN9A):c.3725T>G (p.Leu1242Arg)

Genes: SCN1A-AS1 (SCN1A and SCN9A antisense RNA 1; plus strand), SCN9A (sodium voltage-gated channel alpha subunit 9; minus strand). Cytogenetic location: 2q24.3.
Variant type: single nucleotide variant.
Coding change: c.3725T>G on transcript NM_001365536.1 (MANE Select); coding-DNA position 3725, T replaced by G.
Protein change: p.Leu1242Arg; replaces leucine 1242 with arginine.
Molecular consequence: missense variant.
Genome position (GRCh38, 1-based): chr2:166,238,170, A>C on the plus strand (T>G on the coding strand, the complement: SCN9A is on the minus strand). VCF-style: chr2-166238170-A-C. GRCh37 (hg19) VCF-style: chr2-167094680-A-C.
Other names: c.3692T>G, p.Leu1231Arg (NM_002977.4); short protein forms L1242R, L1231R.
Identifiers: ClinVar variation 2927371 (VCV002927371.3), dbSNP rs1346593889, ClinGen allele CA349068651.

ClinVar aggregate classification (germline): Uncertain significance (1 of 4 stars; one submission).

Conditions:
Neuropathy, hereditary sensory and autonomic, type 2A (HSAN2A). Also called: MORVAN DISEASE; NEUROPATHY, CONGENITAL SENSORY; NEUROPATHY, HEREDITARY SENSORY RADICULAR, AUTOSOMAL RECESSIVE; NEUROPATHY, HEREDITARY SENSORY, TYPE IIA; NEUROPATHY, PROGRESSIVE SENSORY, OF CHILDREN; ACROOSTEOLYSIS, GIACCAI TYPE. Identifiers: Orphanet 970, MedGen C2752089, MONDO:0024309, OMIM 201300.
Generalized epilepsy with febrile seizures plus, type 7 (GEFSP7). Also called: GEFS+, TYPE 7. Identifiers: Orphanet 36387, MedGen C2751778, MONDO:0013470, OMIM 613863.

Allele frequency attached by ClinVar (database versions not stated): gnomAD exomes below 0.00001; TOPMed below 0.00001; gnomAD 0.00001.
gnomAD v4.1: 2 of 1,609,502 alleles (0.00012%); highest among the groups gnomAD compares: Non-Finnish European, 0.00017%; no homozygotes.

Submission:

Labcorp Genetics (formerly Invitae), Labcorp
Classification: Uncertain significance for Neuropathy, hereditary sensory and autonomic, type 2A; Generalized epilepsy with febrile seizures plus, type 7. Last evaluated: 2023-04-28. Review status: criteria provided, single submitter. Criteria: Invitae Variant Classification Sherloc (09022015). Collection method: clinical testing. Allele origin: germline.
Comment: This variant has not been reported in the literature in individuals affected with SCN9A-related conditions. In summary, the available evidence is currently insufficient to determine the role of this variant in disease. Therefore, it has been classified as a Variant of Uncertain Significance. Advanced modeling of protein sequence and biophysical properties (such as structural, functional, and spatial information, amino acid conservation, physicochemical variation, residue mobility, and thermodynamic stability) has been performed at Invitae for this missense variant, however the output from this modeling did not meet the statistical confidence thresholds required to predict the impact of this variant on SCN9A protein function. This variant is not present in population databases (gnomAD no frequency). This sequence change replaces leucine, which is neutral and non-polar, with arginine, which is basic and polar, at codon 1231 of the SCN9A protein (p.Leu1231Arg).